The following is an entry in ClinVar:

ClinVar aggregate classification (germline): Uncertain significance (1 of 4 stars; one submission).

Conditions:
GRIA4-related disorder. Also called: GRIA4-related condition.

Submission:

PreventionGenetics, part of Exact Sciences
Classification: Uncertain significance for GRIA4-related condition. Last evaluated: 2023-09-11. Review status: criteria provided, single submitter. Criteria: ACMG Guidelines, 2015. Collection method: clinical testing. Allele origin: germline.
Comment: The GRIA4 c.1378A>G variant is predicted to result in the amino acid substitution p.Ile460Val. To our knowledge, this variant has not been reported in the literature or in a large population database, indicating this variant is rare. At this time, the clinical significance of this variant is uncertain due to the absence of conclusive functional and genetic evidence.

NM_000829.4(GRIA4):c.1378A>G (p.Ile460Val)

Gene: GRIA4 (glutamate ionotropic receptor AMPA type subunit 4; plus strand). Cytogenetic location: 11q22.3.
Variant type: single nucleotide variant.
Coding change: c.1378A>G on transcript NM_000829.4 (MANE Select); coding-DNA position 1378, A replaced by G.
Protein change: p.Ile460Val; replaces isoleucine 460 with valine.
Molecular consequence: missense variant. On other transcripts: non-coding transcript variant (1).
Genome position (GRCh38, 1-based): chr11:105,918,820, A>G. VCF-style: chr11-105918820-A-G. GRCh37 (hg19) VCF-style: chr11-105789546-A-G.
Other names: c.1378A>G, p.Ile460Val (NM_001077243.3); short protein forms I460V.
Identifiers: ClinVar variation 2631197 (VCV002631197.1), dbSNP rs2497893871, ClinGen allele CA382299669.